The following is an entry in ClinVar:

NM_000404.4(GLB1):c.1505G>A (p.Ser502Asn)

Gene: GLB1 (galactosidase beta 1; minus strand). Cytogenetic location: 3p22.3.
Variant type: single nucleotide variant.
Coding change: c.1505G>A on transcript NM_000404.4 (MANE Select); coding-DNA position 1505, G replaced by A.
Protein change: p.Ser502Asn; replaces serine 502 with asparagine.
Molecular consequence: missense variant.
Genome position (GRCh38, 1-based): chr3:33,014,285, C>T on the plus strand (G>A on the coding strand, the complement: GLB1 is on the minus strand). VCF-style: chr3-33014285-C-T. GRCh37 (hg19) VCF-style: chr3-33055777-C-T.
Other names: c.1415G>A, p.Ser472Asn (NM_001079811.3); c.1112G>A, p.Ser371Asn (NM_001135602.3); c.1649G>A, p.Ser550Asn (NM_001317040.2); c.1505G>A, p.Ser502Asn (NM_001393580.1); short protein forms S371N, S550N, S472N, S502N.
Identifiers: ClinVar variation 2197890 (VCV002197890.3), dbSNP rs2471249041, ClinGen allele CA351986790.
Genomic context (GRCh38, chr3:33,014,285, plus strand): 5'-CTGCACACTGCATCCTCAGTGTCCAGTGGAAAGATCGTCCAGTCCGTGAGGATATTGGAA[C>T]TGAGAGTCAGGTTAGAAACCAAACCCTGCAAAGCAGAAACAGAGCACAGTGAGCTGGGGA-3'
Protein context (NP_000395.3, residues 492-512): FKGLVSNLTL[Ser502Asn]SNILTDWTIF

ClinVar aggregate classification (germline): Uncertain significance (1 of 4 stars; one submission).

Conditions:
Mucopolysaccharidosis, MPS-IV-B (MPS4B). Also called: Mucopolysaccharidosis type IV B; Mucopolysaccharidosis Type IVB; Mucopolysaccharidosis type IVB (Morquio); MPS IVB; MORQUIO SYNDROME B; Mucopolysaccharidosis Type IVB (Morquio B Disease). Identifiers: Orphanet 309310, Orphanet 582, MedGen C0086652, MONDO:0009660, OMIM 253010.
GM1 gangliosidosis. Identifiers: Orphanet 354, MedGen C0085131, MONDO:0018149.

Submission:

Labcorp Genetics (formerly Invitae), Labcorp
Classification: Uncertain significance for Mucopolysaccharidosis, MPS-IV-B; GM1 gangliosidosis. Last evaluated: 2024-02-24. Review status: criteria provided, single submitter. Criteria: Invitae Variant Classification Sherloc (09022015). Collection method: clinical testing. Allele origin: germline.
Comment: This sequence change replaces serine, which is neutral and polar, with asparagine, which is neutral and polar, at codon 502 of the GLB1 protein (p.Ser502Asn). This variant is not present in population databases (gnomAD no frequency). This variant has not been reported in the literature in individuals affected with GLB1-related conditions. ClinVar contains an entry for this variant (Variation ID: 2197890). Advanced modeling of protein sequence and biophysical properties (such as structural, functional, and spatial information, amino acid conservation, physicochemical variation, residue mobility, and thermodynamic stability) performed at Invitae indicates that this missense variant is not expected to disrupt GLB1 protein function with a negative predictive value of 95%. In summary, the available evidence is currently insufficient to determine the role of this variant in disease. Therefore, it has been classified as a Variant of Uncertain Significance.